The following is an entry in ClinVar:

ClinVar aggregate classification (germline): Likely pathogenic (1 of 4 stars; one submission).

Conditions:
Heterotopia, periventricular, X-linked dominant (PVNH1). Also called: PERIVENTRICULAR NODULAR HETEROTOPIA 4; HETEROTOPIA, PERIVENTRICULAR, 1; PERIVENTRICULAR NODULAR HETEROTOPIA 1; X-linked periventricular heterotopia. Identifiers: Orphanet 2149, Orphanet 82004, MedGen C1848213, MONDO:0010233, OMIM 300049.
Oto-palato-digital syndrome, type II (OPD2). Also called: Otopalatodigital Syndrome, Type II; FACIOPALATOOSSEOUS SYNDROME; OPD II SYNDROME; Otopalatodigital Syndrome Type 2 (FLNA-OPD2). Identifiers: Orphanet 669, Orphanet 90652, MedGen C1844696, MONDO:0010571, OMIM 304120.
Melnick-Needles syndrome (MNS). Also called: MELNICK-NEEDLES OSTEODYSPLASTY; OSTEODYSPLASTY OF MELNICK AND NEEDLES; Melnick-Needles Syndrome (FLNA-MNS). Identifiers: Orphanet 2484, MedGen C0025237, MONDO:0010650, OMIM 309350.
Frontometaphyseal dysplasia (FMD1). Identifiers: Orphanet 1826, MedGen C0265293, MONDO:0015942.

Submission:

Labcorp Genetics (formerly Invitae), Labcorp
Classification: Likely pathogenic for Oto-palato-digital syndrome, type II; Heterotopia, periventricular, X-linked dominant; Frontometaphyseal dysplasia; Melnick-Needles syndrome. Last evaluated: 2025-02-07. Review status: criteria provided, single submitter. Criteria: Invitae Variant Classification Sherloc (09022015). Collection method: clinical testing. Allele origin: germline.
Comment: This sequence change affects a splice site in intron 24 of the FLNA gene. It is expected to disrupt RNA splicing. Variants that disrupt the donor or acceptor splice site typically lead to a loss of protein function (PMID: 16199547), and loss-of-function variants in FLNA are known to be pathogenic (PMID: 16684786, 20730588, 26471271). This variant is not present in population databases (gnomAD no frequency). Disruption of this splice site has been observed in individual(s) with X-linked dominant periventricular nodular heterotopia (PMID: 34863227). Algorithms developed to predict the effect of sequence changes on RNA splicing suggest that this variant may disrupt the consensus splice site. In summary, the currently available evidence indicates that the variant is pathogenic, but additional data are needed to prove that conclusively. Therefore, this variant has been classified as Likely Pathogenic.

Literature cited by the submitters: PubMed 16199547; PubMed 16684786; PubMed 20730588; PubMed 26471271; PubMed 34863227.

NM_001110556.2(FLNA):c.4143-2del

Gene: FLNA (filamin A; minus strand). Cytogenetic location: Xq28.
Variant type: Deletion.
Coding change: c.4143-2del on transcript NM_001110556.2 (MANE Select); the canonical splice acceptor site of the intron before coding-DNA position 4143, one base deleted (A; older notation c.4143-2delA).
Molecular consequence: splice acceptor variant.
Genome position (GRCh38, 1-based): chrX:154,359,408, T deleted on the plus strand (A on the coding strand, the reverse complement: FLNA is on the minus strand). VCF-style (leftmost placement, unchanged base first): chrX-154359407-CT-C. GRCh37 (hg19) VCF-style: chrX-153587775-CT-C.
Other names: c.4143-2del (NM_001456.4).
Identifiers: ClinVar variation 4783880 (VCV004783880.1).